The following is an entry in ClinVar:

NM_000077.5(CDKN2A):c.277A>T (p.Thr93Ser)

Gene: CDKN2A (cyclin dependent kinase inhibitor 2A; minus strand). Cytogenetic location: 9p21.3.
Variant type: single nucleotide variant.
Coding change: c.277A>T on transcript NM_000077.5; coding-DNA position 277, A replaced by T.
Protein change: p.Thr93Ser; replaces threonine 93 with serine.
Molecular consequence: missense variant (on NM_000077.6). On other transcripts: 3 prime UTR variant (1).
Genome position (GRCh38, 1-based): chr9:21,971,082, T>A on the plus strand (A>T on the coding strand, the complement: CDKN2A is on the minus strand). VCF-style: chr9-21971082-T-A. GRCh37 (hg19) VCF-style: chr9-21971081-T-A.
Other names: c.277A>T, p.Thr93Ser (NM_000077.6, NM_001195132.2); c.124A>T, p.Thr42Ser (NM_001363763.2); c.320A>T, p.His107Leu (NM_058195.4); c.*200A>T (NM_058197.5); short protein forms H107L, T42S, T93S.
Identifiers: ClinVar variation 4868649 (VCV004868649.1).

ClinVar aggregate classification (germline): Uncertain significance (1 of 4 stars; one submission).

Conditions:
Hereditary cancer-predisposing syndrome. Also called: Neoplastic Syndromes, Hereditary; Tumor predisposition; Hereditary neoplastic syndrome; Hereditary Cancer Syndrome. Identifiers: Orphanet 140162, MedGen C0027672, MeSH D009386, MONDO:0015356.

Submission:

Ambry Genetics
Classification: Uncertain significance for Hereditary cancer-predisposing syndrome. Last evaluated: 2026-04-27. Review status: criteria provided, single submitter. Criteria: Ambry Variant Classification Scheme 2023. Collection method: clinical testing. Allele origin: germline.
Comment: The p.T93S variant (also known as c.277A>T), located in coding exon 2 of the CDKN2A gene, results from an A to T substitution at nucleotide position 277. The threonine at codon 93 is replaced by serine, an amino acid with similar properties. Of note, this variant is also known as p.H107L (c.320A>T) in the p14(ARF) isoform. This amino acid position is highly conserved in available vertebrate species. In addition, the in silico prediction for this alteration is inconclusive. Based on the available evidence, the clinical significance of this variant remains unclear.